The following is an entry in ClinVar:

NM_000551.4(VHL):c.340+745A>C

Genes: VHL (von Hippel-Lindau tumor suppressor; plus strand), LOC107303340 (3p25 von Hippel-Lindau tumor suppressor, E3 ubiquitin protein ligase Alu-mediated recombination region; plus strand). Cytogenetic location: 3p25.3.
Variant type: single nucleotide variant.
Coding change: c.340+745A>C on transcript NM_000551.4 (MANE Select); 745 bases into the intron after coding-DNA position 340, A replaced by C.
Molecular consequence: intron variant. On other transcripts: missense variant (1), non-coding transcript variant (1).
Genome position (GRCh38, 1-based): chr3:10,142,932, A>C. VCF-style: chr3-10142932-A-C. GRCh37 (hg19) VCF-style: chr3-10184616-A-C.
Other names: c.510A>C, p.Arg170Ser (NM_001354723.2); c.340+745A>C (NM_198156.3); short protein forms R170S.
Identifiers: ClinVar variation 4793783 (VCV004793783.1).
Genomic context (GRCh38, chr3:10,142,932, plus strand): 5'-TGGCGCCGGAAGAGCCGACCGTGTGTGGCGTGGGAAATTGACTTACCTGCCTGCTGGGAG[A>C]TGGAGGGGTTGCGGTTGTGTGGTTTCAGTTAAGGAGCACTTCCCGGAGAAGGAAGAGAGC-3'

ClinVar aggregate classification (germline): Uncertain significance (1 of 4 stars; one submission).

Conditions:
Chuvash polycythemia. Also called: POLYCYTHEMIA, VHL-DEPENDENT. Identifiers: Orphanet 238557, MedGen C1837915, MONDO:0009892, OMIM 263400.
Von Hippel-Lindau syndrome (VHLS). Also called: von Hippel–Lindau syndrome; VHL syndrome; Von Hippel-Lindau. Identifiers: Orphanet 892, MedGen C0019562, MONDO:0008667, OMIM 193300. Disease mechanism: loss of function.

Submission:

Labcorp Genetics (formerly Invitae), Labcorp
Classification: Uncertain significance for Von Hippel-Lindau syndrome; Chuvash polycythemia. Last evaluated: 2025-08-17. Review status: criteria provided, single submitter. Criteria: Invitae Variant Classification Sherloc (09022015). Collection method: clinical testing. Allele origin: germline.
Comment: This sequence change falls in intron 1 of the VHL gene. It is not expected to change the encoded amino acid sequence of the VHL protein. However, this sequence change falls within a cryptic exon in the VHL gene, known as exon E1’, which is naturally expressed at low levels in several human tissues (PMID: 29891534). This variant is not present in population databases (gnomAD no frequency). This variant has not been reported in the literature in individuals affected with VHL-related conditions. Algorithms developed to predict the effect of sequence changes on RNA splicing suggest that this variant is not likely to affect RNA splicing. In summary, the available evidence is currently insufficient to determine the role of this variant in disease. Therefore, it has been classified as a Variant of Uncertain Significance.

Literature cited by the submitters: PubMed 29891534.